The following is an entry in ClinVar:

NM_007186.6(CEP250):c.3905C>T (p.Ser1302Phe)

Gene: CEP250 (centrosomal protein 250; plus strand). Cytogenetic location: 20q11.22.
Variant type: single nucleotide variant.
Coding change: c.3905C>T on transcript NM_007186.6 (MANE Select); coding-DNA position 3905, C replaced by T.
Protein change: p.Ser1302Phe; replaces serine 1302 with phenylalanine.
Molecular consequence: missense variant.
Genome position (GRCh38, 1-based): chr20:35,501,851, C>T. VCF-style: chr20-35501851-C-T. GRCh37 (hg19) VCF-style: chr20-34089678-C-T.
Other names: c.2009C>T, p.Ser670Phe (NM_001318219.1); short protein forms S1302F, S670F.
Identifiers: ClinVar variation 1949529 (VCV001949529.5), dbSNP rs1320993038, ClinGen allele CA408746454.

ClinVar aggregate classification (germline): Uncertain significance (1 of 4 stars; one submission).

Submission:

Labcorp Genetics (formerly Invitae), Labcorp
Classification: Uncertain significance. Last evaluated: 2022-04-25. Review status: criteria provided, single submitter. Criteria: Invitae Variant Classification Sherloc (09022015). Collection method: clinical testing. Allele origin: germline.
Comment: In summary, the available evidence is currently insufficient to determine the role of this variant in disease. Therefore, it has been classified as a Variant of Uncertain Significance. Algorithms developed to predict the effect of missense changes on protein structure and function are either unavailable or do not agree on the potential impact of this missense change (SIFT: "Not Available"; PolyPhen-2: "Benign"; Align-GVGD: "Not Available"). This variant has not been reported in the literature in individuals affected with CEP250-related conditions. This variant is not present in population databases (gnomAD no frequency). This sequence change replaces serine, which is neutral and polar, with phenylalanine, which is neutral and non-polar, at codon 1302 of the CEP250 protein (p.Ser1302Phe).